The following is an entry in ClinVar:

NM_004586.3(RPS6KA3):c.124A>G (p.Thr42Ala)

Gene: RPS6KA3 (ribosomal protein S6 kinase A3; minus strand). Cytogenetic location: Xp22.12.
Variant type: single nucleotide variant.
Coding change: c.124A>G on transcript NM_004586.3 (MANE Select); coding-DNA position 124, A replaced by G.
Protein change: p.Thr42Ala; replaces threonine 42 with alanine.
Molecular consequence: missense variant.
Genome position (GRCh38, 1-based): chrX:20,234,760, T>C on the plus strand (A>G on the coding strand, the complement: RPS6KA3 is on the minus strand). VCF-style: chrX-20234760-T-C. GRCh37 (hg19) VCF-style: chrX-20252878-T-C.
Other names: short protein forms T42A.
Identifiers: ClinVar variation 2077638 (VCV002077638.4), dbSNP rs2519910486, ClinGen allele CA412515274.
Genomic context (GRCh38, chrX:20,234,760, plus strand): 5'-TAATAACTTTACAGTATTTCATTTATCTATACCCTTTGTGATAAAATATTTTACTTACAG[T>C]TTGTGGGTTAATCTCCTCCTCTCCCATAGGTTCATCCATAATTTGCTGTCCATTCTGTGA-3'
Protein context (NP_004577.1, residues 32-52): PMGEEEINPQ[Thr42Ala]EEVSIKEIAI

ClinVar aggregate classification (germline): Uncertain significance (1 of 4 stars; one submission).

Conditions:
Coffin-Lowry syndrome (CLS). Also called: COFFIN-LOWRY SYNDROME, MILD; Mental retardation with osteocartilaginous abnormalities. Identifiers: Orphanet 192, MedGen C0265252, MONDO:0010561, OMIM 303600.
Intellectual developmental disorder, X-linked 19. Also called: Intellectual disability, X-linked 19. Identifiers: Orphanet 777, MedGen C0796225, MONDO:0010447, OMIM 300844.

Submission:

Labcorp Genetics (formerly Invitae), Labcorp
Classification: Uncertain significance for Coffin-Lowry syndrome; Intellectual developmental disorder, X-linked 19. Last evaluated: 2022-01-10. Review status: criteria provided, single submitter. Criteria: Invitae Variant Classification Sherloc (09022015). Collection method: clinical testing. Allele origin: germline.
Comment: In summary, the available evidence is currently insufficient to determine the role of this variant in disease. Therefore, it has been classified as a Variant of Uncertain Significance. Algorithms developed to predict the effect of missense changes on protein structure and function (SIFT, PolyPhen-2, Align-GVGD) all suggest that this variant is likely to be tolerated. This variant has not been reported in the literature in individuals affected with RPS6KA3-related conditions. This variant is not present in population databases (gnomAD no frequency). This sequence change replaces threonine, which is neutral and polar, with alanine, which is neutral and non-polar, at codon 42 of the RPS6KA3 protein (p.Thr42Ala).